The following is an entry in ClinVar:

ClinVar aggregate classification (germline): Uncertain significance (1 of 4 stars; one submission).

Conditions:
Cardiovascular phenotype. Identifiers: MedGen CN230736.

Submission:

Ambry Genetics
Classification: Uncertain significance for Cardiovascular phenotype. Last evaluated: 2026-07-09. Review status: criteria provided, single submitter. Criteria: Ambry Variant Classification Scheme 2023. Collection method: clinical testing. Allele origin: germline.
Comment: The p.L2437P variant (also known as c.7310T>C), located in coding exon 38 of the ANK2 gene, results from a T to C substitution at nucleotide position 7310. The leucine at codon 2437 is replaced by proline, an amino acid with similar properties. This amino acid position is conserved. In addition, this alteration is predicted to be deleterious by in silico analysis. Based on the available evidence, the clinical significance of this variant remains unclear.

NM_001148.6(ANK2):c.7310T>C (p.Leu2437Pro)

Genes: ANK2 (ankyrin 2; plus strand), LOC126807137 (CDK7 strongly-dependent group 2 enhancer GRCh37_chr4:114276560-114277759; plus strand). Cytogenetic location: 4q26.
Variant type: single nucleotide variant.
Coding change: c.7310T>C on transcript NM_001148.6 (MANE Select); coding-DNA position 7310, T replaced by C.
Protein change: p.Leu2437Pro; replaces leucine 2437 with proline.
Molecular consequence: missense variant. On other transcripts: intron variant (68).
Genome position (GRCh38, 1-based): chr4:113,355,928, T>C. VCF-style: chr4-113355928-T-C. GRCh37 (hg19) VCF-style: chr4-114277084-T-C.
Other names: c.4469-4895T>C (NM_001354231.2, NM_001354242.2); c.4472-4895T>C (NM_001386144.1, NM_001354240.2, NM_001354241.2); c.1991-4895T>C (NM_001354279.2, NM_001354282.2); c.1976-4895T>C (NM_001354280.2); c.1955-4895T>C (NM_001354278.2, NM_001354281.2); c.827-4895T>C (NM_001386167.1); c.4424-4895T>C (NM_001354235.2, NM_001354246.2, NM_001354265.2); c.4325-4895T>C (NM_001354236.2); and 35 more; short protein forms L2359P, L1237P, L2476P, L2484P, L2437P.
Identifiers: ClinVar variation 5021930 (VCV005021930.1).